The following is an entry in ClinVar:

ClinVar aggregate classification (germline): Likely benign (1 of 4 stars; one submission).

Submission:

CeGaT Center for Human Genetics Tuebingen
Classification: Likely benign. Last evaluated: 2024-07-01. Review status: criteria provided, single submitter. Criteria: CeGaT Center For Human Genetics Tuebingen Variant Classification Criteria Version 2. Collection method: clinical testing. Allele origin: germline. Affected: yes. Observed: 1 variant allele.
Comment: KMT2D: PM2:Supporting, BP4, BP7

NM_003482.4(KMT2D):c.1380A>C (p.Pro460=)

Gene: KMT2D (lysine methyltransferase 2D; minus strand). Cytogenetic location: 12q13.12.
Variant type: single nucleotide variant.
Coding change: c.1380A>C on transcript NM_003482.4 (MANE Select); coding-DNA position 1380, A replaced by C.
Protein change: p.Pro460=; no amino-acid change (proline 460 retained).
Molecular consequence: synonymous variant.
Genome position (GRCh38, 1-based): chr12:49,052,303, T>G on the plus strand (A>C on the coding strand, the complement: KMT2D is on the minus strand). VCF-style: chr12-49052303-T-G. GRCh37 (hg19) VCF-style: chr12-49446086-T-G.
Identifiers: ClinVar variation 3257710 (VCV003257710.17).